The following is an entry in ClinVar:

NM_014252.4(SLC25A15):c.*929G>C

Gene: SLC25A15 (solute carrier family 25 member 15; plus strand). Cytogenetic location: 13q14.11.
Variant type: single nucleotide variant.
Coding change: c.*929G>C on transcript NM_014252.4 (MANE Select); 929 bases downstream of the stop codon, G replaced by C.
Molecular consequence: 3 prime UTR variant.
Genome position (GRCh38, 1-based): chr13:40,810,596, G>C. VCF-style: chr13-40810596-G-C. GRCh37 (hg19) VCF-style: chr13-41384732-G-C.
Identifiers: ClinVar variation 312197 (VCV000312197.5), dbSNP rs17061602, ClinGen allele CA10644557.

ClinVar aggregate classification (germline): Benign (1 of 4 stars; one submission).

Conditions:
Hyperornithinemia-hyperammonemia-homocitrullinuria syndrome (HHHS). Also called: HHH SYNDROME; Ornithine translocase deficiency. Identifiers: Orphanet 415, MedGen C0268540, MONDO:0009393, OMIM 238970.

Allele frequency attached by ClinVar (database versions not stated): 1000 Genomes Project 0.05292; 1000 Genomes Project 30x 0.05418; gnomAD 0.07727 and 0.07878; TOPMed 0.08046.
gnomAD v4.1: 11,871 of 152,210 alleles (7.8%); highest among the groups gnomAD compares: Middle Eastern, 11%; 523 homozygotes.

Submission:

Illumina Laboratory Services, Illumina
Classification: Benign for Hyperornithinemia-hyperammonemia-homocitrullinuria syndrome. Last evaluated: 2018-01-13. Review status: criteria provided, single submitter. Criteria: ICSL Variant Classification Criteria 13 December 2019. Collection method: clinical testing. Allele origin: germline.
Comment: This variant was observed in the ICSL laboratory as part of a predisposition screen in an ostensibly healthy population. It had not been previously curated by ICSL or reported in the Human Gene Mutation Database (HGMD: prior to June 1st, 2018), and was therefore a candidate for classification through an automated scoring system. Utilizing variant allele frequency, disease prevalence and penetrance estimates, and inheritance mode, an automated score was calculated to assess if this variant is too frequent to cause the disease. Based on the score and internal cut-off values, a variant classified as benign is not then subjected to further curation. The score for this variant resulted in a classification of benign for this disease.